The following is an entry in ClinVar:

ClinVar aggregate classification (germline): Uncertain significance (1 of 4 stars; one submission).

Conditions:
Inborn genetic diseases. Identifiers: MedGen C0950123, MeSH D030342.

Submission:

Ambry Genetics
Classification: Uncertain significance for Inborn genetic diseases. Last evaluated: 2025-03-14. Review status: criteria provided, single submitter. Criteria: Ambry Variant Classification Scheme 2023. Collection method: clinical testing. Allele origin: germline.
Comment: The p.E614K variant (also known as c.1840G>A), located in coding exon 18 of the ANKRD26 gene, results from a G to A substitution at nucleotide position 1840. The glutamic acid at codon 614 is replaced by lysine, an amino acid with similar properties. This amino acid position is conserved. In addition, this alteration is predicted to be tolerated by in silico analysis. Based on the available evidence, the clinical significance of this variant remains unclear.

NM_014915.3(ANKRD26):c.1840G>A (p.Glu614Lys)

Gene: ANKRD26 (ankyrin repeat domain containing 26; minus strand). Cytogenetic location: 10p12.1.
Variant type: single nucleotide variant.
Coding change: c.1840G>A on transcript NM_014915.3 (MANE Select); coding-DNA position 1840, G replaced by A.
Protein change: p.Glu614Lys; replaces glutamic acid 614 with lysine.
Molecular consequence: missense variant.
Genome position (GRCh38, 1-based): chr10:27,046,498, C>T on the plus strand (G>A on the coding strand, the complement: ANKRD26 is on the minus strand). VCF-style: chr10-27046498-C-T. GRCh37 (hg19) VCF-style: chr10-27335427-C-T.
Other names: c.1837G>A, p.Glu613Lys (NM_001256053.2); short protein forms E613K, E614K.
Identifiers: ClinVar variation 3872232 (VCV003872232.1).
Genomic context (GRCh38, chr10:27,046,498, plus strand): 5'-ACACTGGTGAATTCACAGATTCTTTCGAGGTCCGTTTTTCTTTTTCAGTGCTCTTTACTT[C>T]CTTCATTTGCAAGGCAGGACCACTACTTTAAAAAATCCATGGGAAATGACAGTTACATAA-3'
Protein context (NP_055730.2, residues 604-624): ASSGPALQMK[Glu614Lys]VKSTEKEKRT